The following is an entry in ClinVar:

NM_014271.4(IL1RAPL1):c.735G>C (p.Leu245Phe)

Gene: IL1RAPL1 (interleukin 1 receptor accessory protein like 1; plus strand). Cytogenetic location: Xp21.2.
Variant type: single nucleotide variant.
Coding change: c.735G>C on transcript NM_014271.4 (MANE Select); coding-DNA position 735, G replaced by C.
Protein change: p.Leu245Phe; replaces leucine 245 with phenylalanine.
Molecular consequence: missense variant.
Genome position (GRCh38, 1-based): chrX:29,668,461, G>C. VCF-style: chrX-29668461-G-C. GRCh37 (hg19) VCF-style: chrX-29686578-G-C.
Other names: short protein forms L245F.
Identifiers: ClinVar variation 2662059 (VCV002662059.4), dbSNP rs769905082, ClinGen allele CA412633536.
Genomic context (GRCh38, chrX:29,668,461, plus strand): 5'-TCTGTATTATTATTGTTGTTGTTTTTCAGCCCCTCTGACTGATAAGCCACCCAAGCTTTT[G>C]TATCCTATGGAAAGTAAACTGACAATTCAGGAGACCCAGCTGGGTGAGTAATTCCTTAAT-3'
Protein context (NP_055086.1, residues 235-255): APLTDKPPKL[Leu245Phe]YPMESKLTIQ

ClinVar aggregate classification (germline): Uncertain significance. Review status: criteria provided, multiple submitters, no conflicts (2 of 4 stars). 3 submissions from 3 submitters: Uncertain significance (3). Last evaluated 2024-04-10.

Conditions:
Intellectual developmental disorder, X-linked 21. Also called: Mental retardation, X-linked 21/34; Intellectual disability, X-linked 21; MENTAL RETARDATION, X-LINKED 34. Identifiers: Orphanet 777, MedGen C5551510, MONDO:0010256, OMIM 300143.

Allele frequency attached by ClinVar (database versions not stated): gnomAD 0.00001.
gnomAD v4.1: 2 of 1,208,060 alleles (0.00017%); highest among the groups gnomAD compares: Non-Finnish European, 0.00022%; no homozygotes.

Submissions (3):

Labcorp Genetics (formerly Invitae), Labcorp
Classification: Uncertain significance. Last evaluated: 2024-04-10. Review status: criteria provided, single submitter. Criteria: Invitae Variant Classification Sherloc (09022015). Collection method: clinical testing. Allele origin: germline.
Comment: This sequence change replaces leucine, which is neutral and non-polar, with phenylalanine, which is neutral and non-polar, at codon 245 of the IL1RAPL1 protein (p.Leu245Phe). This variant is present in population databases (no rsID available, gnomAD 0.001%). This variant has not been reported in the literature in individuals affected with IL1RAPL1-related conditions. ClinVar contains an entry for this variant (Variation ID: 2662059). An algorithm developed to predict the effect of missense changes on protein structure and function (PolyPhen-2) suggests that this variant is likely to be tolerated. In summary, the available evidence is currently insufficient to determine the role of this variant in disease. Therefore, it has been classified as a Variant of Uncertain Significance.

Laboratorio de Genetica e Diagnostico Molecular, Hospital Israelita Albert Einstein
Classification: Uncertain significance for Intellectual developmental disorder, X-linked 21. Last evaluated: 2023-06-06. Review status: criteria provided, single submitter. Criteria: ACMG Guidelines, 2015. Collection method: clinical testing. Allele origin: germline. Affected: yes.
Comment: ACMG classification criteria: PM2 supporting, BP4 supporting

GeneDx
Classification: Uncertain significance. Last evaluated: 2023-04-14. Review status: criteria provided, single submitter. Criteria: GeneDx Variant Classification Process June 2021. Collection method: clinical testing. Allele origin: germline. Affected: yes.
Comment: In silico analysis supports that this missense variant does not alter protein structure/function; Has not been previously published as pathogenic or benign to our knowledge